The following is an entry in ClinVar:

NM_003060.4(SLC22A5):c.763G>A (p.Asp255Asn)

Gene: SLC22A5 (solute carrier family 22 member 5; plus strand). Cytogenetic location: 5q31.1.
Variant type: single nucleotide variant.
Coding change: c.763G>A on transcript NM_003060.4 (MANE Select); coding-DNA position 763, G replaced by A.
Protein change: p.Asp255Asn; replaces aspartic acid 255 with asparagine.
Molecular consequence: missense variant.
Genome position (GRCh38, 1-based): chr5:132,385,438, G>A. VCF-style: chr5-132385438-G-A. GRCh37 (hg19) VCF-style: chr5-131721130-G-A.
Other names: c.835G>A, p.Asp279Asn (NM_001308122.2); short protein forms D255N, D279N.
Identifiers: ClinVar variation 350813 (VCV000350813.16), dbSNP rs774619135, ClinGen allele CA3403961.

ClinVar aggregate classification (germline): Uncertain significance. Review status: criteria provided, multiple submitters, no conflicts (2 of 4 stars). 4 submissions from 4 submitters: Uncertain significance (3). 1 of the submissions does not count toward it. Last evaluated 2021-09-02.

Conditions:
Decreased circulating carnitine concentration. Also called: Decreased plasma carnitine. Identifiers: MedGen C5848230, HP:0003234.
Renal carnitine transport defect (CDSP). Also called: Systemic primary carnitine deficiency; Primary carnitine deficiency; CARNITINE DEFICIENCY, SYSTEMIC, DUE TO DEFECT IN RENAL REABSORPTION OF CARNITINE; CARNITINE TRANSPORTER, PLASMA-MEMBRANE, DEFICIENCY OF; CARNITINE UPTAKE DEFECT; Systemic primary carnitine deficiency disease. Identifiers: Orphanet 158, MedGen C0342788, MONDO:0008919, OMIM 212140.

Allele frequency attached by ClinVar (database versions not stated): gnomAD 0.00001; gnomAD exomes 0.00001; TOPMed 0.00001; ExAC 0.00002.
gnomAD v4.1: 9 of 1,614,062 alleles (0.00056%); highest among the groups gnomAD compares: Admixed American, 0.0017%; no homozygotes.

Submissions (4):

Labcorp Genetics (formerly Invitae), Labcorp
Classification: Uncertain significance for Renal carnitine transport defect. Last evaluated: 2021-09-02. Review status: criteria provided, single submitter. Criteria: Invitae Variant Classification Sherloc (09022015). Collection method: clinical testing. Allele origin: germline.
Comment: This sequence change replaces aspartic acid with asparagine at codon 255 of the SLC22A5 protein (p.Asp255Asn). The aspartic acid residue is moderately conserved and there is a small physicochemical difference between aspartic acid and asparagine. This variant is present in population databases (rs774619135, ExAC 0.009%). This variant has not been reported in the literature in individuals affected with SLC22A5-related conditions. ClinVar contains an entry for this variant (Variation ID: 350813). Algorithms developed to predict the effect of missense changes on protein structure and function (SIFT, PolyPhen-2, Align-GVGD) all suggest that this variant is likely to be tolerated. In summary, the available evidence is currently insufficient to determine the role of this variant in disease. Therefore, it has been classified as a Variant of Uncertain Significance.

Genome-Nilou Lab
Classification: Uncertain significance for Renal carnitine transport defect. Last evaluated: 2021-07-15. Review status: criteria provided, single submitter. Criteria: ACMG Guidelines, 2015. Collection method: clinical testing. Allele origin: germline. Affected: no.

Illumina Laboratory Services, Illumina
Classification: Uncertain significance for Renal carnitine transport defect. Last evaluated: 2018-01-12. Review status: criteria provided, single submitter. Criteria: ICSL Variant Classification Criteria 13 December 2019. Collection method: clinical testing. Allele origin: germline.

Natera, Inc.
Classification: Uncertain significance for Carnitine deficiency. Last evaluated: 2021-05-11. Review status: no assertion criteria provided. Collection method: clinical testing. Allele origin: germline. Not counted in ClinVar's aggregate classification.